The following is an entry in ClinVar:

ClinVar aggregate classification (germline): Pathogenic/Likely pathogenic. Review status: criteria provided, multiple submitters, no conflicts (2 of 4 stars). 2 submissions from 2 submitters: Pathogenic (1); Likely pathogenic (1). Last evaluated 2023-07-21.

Conditions:
Short-rib thoracic dysplasia 13 with or without polydactyly (SRTD13). Identifiers: Orphanet 474, MedGen C4225378, MONDO:0014577, OMIM 616300.

Allele frequency attached by ClinVar (database versions not stated): gnomAD exomes 0.00001 and 0.00002; ExAC 0.00002; TOPMed 0.00002.
gnomAD v4.1: 3 of 1,610,942 alleles (0.00019%); highest among the groups gnomAD compares: Admixed American, 0.0051%; no homozygotes.

Submissions (2):

Labcorp Genetics (formerly Invitae), Labcorp
Classification: Pathogenic for Short-rib thoracic dysplasia 13 with or without polydactyly. Last evaluated: 2023-07-21. Review status: criteria provided, single submitter. Criteria: Invitae Variant Classification Sherloc (09022015). Collection method: clinical testing. Allele origin: germline.
Comment: This sequence change creates a premature translational stop signal (p.Gln775*) in the CEP120 gene. It is expected to result in an absent or disrupted protein product. Loss-of-function variants in CEP120 are known to be pathogenic (PMID: 25251415, 27208211). This variant is present in population databases (rs759125480, gnomAD 0.01%). This variant has not been reported in the literature in individuals affected with CEP120-related conditions. ClinVar contains an entry for this variant (Variation ID: 623651). For these reasons, this variant has been classified as Pathogenic.

HudsonAlpha Institute for Biotechnology
Classification: Likely pathogenic for Short-rib thoracic dysplasia 13 with or without polydactyly. Last evaluated: 2018-10-05. Review status: criteria provided, single submitter. Criteria: ACMG Guidelines, 2015. Collection method: research. Allele origin: paternal. Affected: yes. Observed: 1 variant allele. Study: CSER-SouthSeq.
Comment: ACMG codes: PVS1, PM2

Literature cited by the submitters: PubMed 25251415 (cited by Labcorp Genetics (formerly Invitae), Labcorp); PubMed 27208211 (cited by Labcorp Genetics (formerly Invitae), Labcorp).

NM_001375405.1(CEP120):c.2323C>T (p.Gln775Ter)

Gene: CEP120 (centrosomal protein 120; minus strand). Cytogenetic location: 5q23.2.
Variant type: single nucleotide variant.
Coding change: c.2323C>T on transcript NM_001375405.1 (MANE Select); coding-DNA position 2323, C replaced by T.
Protein change: p.Gln775Ter; replaces glutamine 775 with a stop codon.
Molecular consequence: nonsense. On other transcripts: non-coding transcript variant (1).
Genome position (GRCh38, 1-based): chr5:123,377,409, G>A on the plus strand (C>T on the coding strand, the complement: CEP120 is on the minus strand). VCF-style: chr5-123377409-G-A. GRCh37 (hg19) VCF-style: chr5-122713103-G-A.
Other names: c.2245C>T, p.Gln749Ter (NM_001166226.2); c.2188C>T, p.Gln730Ter (NM_001375406.1); c.2323C>T, p.Gln775Ter (NM_001375407.1, NM_153223.4); c.1750C>T, p.Gln584Ter (NM_001375408.1, NM_001375409.1); short protein forms Q775*, Q749*, Q584*, Q730*.
Identifiers: ClinVar variation 623651 (VCV000623651.5), dbSNP rs759125480, ClinGen allele CA3386665.